The following is an entry in ClinVar:

NM_001111125.3(IQSEC2):c.4343C>T (p.Pro1448Leu)

Gene: IQSEC2 (IQ motif and Sec7 domain ArfGEF 2; minus strand). Cytogenetic location: Xp11.22.
Variant type: single nucleotide variant.
Coding change: c.4343C>T on transcript NM_001111125.3 (MANE Select); coding-DNA position 4343, C replaced by T.
Protein change: p.Pro1448Leu; replaces proline 1448 with leucine.
Molecular consequence: missense variant. On other transcripts: 3 prime UTR variant (1).
Genome position (GRCh38, 1-based): chrX:53,234,343, G>A on the plus strand (C>T on the coding strand, the complement: IQSEC2 is on the minus strand). VCF-style: chrX-53234343-G-A. GRCh37 (hg19) VCF-style: chrX-53263525-G-A.
Other names: c.*828C>T (NM_001410736.1, NM_015075.2); short protein forms P1448L.
Identifiers: ClinVar variation 1739871 (VCV001739871.3), dbSNP rs1246743924, ClinGen allele CA413138613.

ClinVar aggregate classification (germline): Uncertain significance. Review status: criteria provided, multiple submitters, no conflicts (2 of 4 stars). 2 submissions from 2 submitters: Uncertain significance (2). Last evaluated 2024-09-07.

Conditions:
Inborn genetic diseases. Identifiers: MedGen C0950123, MeSH D030342.

Submissions (2):

Blueprint Genetics
Classification: Uncertain significance. Last evaluated: 2024-09-07. Review status: criteria provided, single submitter. Criteria: ACMG Guidelines, 2015. Collection method: clinical testing. Allele origin: germline.

Ambry Genetics
Classification: Uncertain significance for Inborn genetic diseases. Last evaluated: 2018-04-20. Review status: criteria provided, single submitter. Criteria: Ambry Variant Classification Scheme 2023. Collection method: clinical testing. Allele origin: germline.
Comment: The p.P1448L variant (also known as c.4343C>T), located in coding exon 15 of the IQSEC2 gene, results from a C to T substitution at nucleotide position 4343. The proline at codon 1448 is replaced by leucine, an amino acid with similar properties. This amino acid position is highly conserved in available vertebrate species. In addition, this alteration is predicted to be tolerated by in silico analysis. Since supporting evidence is limited at this time, the clinical significance of this alteration remains unclear.